The following is an entry in ClinVar:

ClinVar aggregate classification (germline): Conflicting classifications of pathogenicity. Review status: criteria provided, conflicting classifications (1 of 4 stars). 3 submissions from 3 submitters: Likely pathogenic (1); Uncertain significance (2). Last evaluated 2026-06-01.

Conditions:
Complex cortical dysplasia with other brain malformations 7. Identifiers: Orphanet 300573, MedGen C3552236, MONDO:0012399, OMIM 610031.

Submissions (3):

CeGaT Center for Human Genetics Tuebingen
Classification: Uncertain significance. Last evaluated: 2026-06-01. Review status: criteria provided, single submitter. Criteria: CeGaT Center For Human Genetics Tuebingen Variant Classification Criteria Version 2. Collection method: clinical testing. Allele origin: germline. Affected: yes. Observed: 1 variant allele.
Comment: TUBB2B: PM2, PP2, PP3, PS4:Supporting

Institute of Human Genetics, University of Leipzig Medical Center
Classification: Likely pathogenic for Complex cortical dysplasia with other brain malformations 7. Last evaluated: 2025-03-04. Review status: criteria provided, single submitter. Criteria: ACMG Guidelines, 2015. Collection method: clinical testing. Allele origin: unknown. Inheritance: Autosomal dominant inheritance. Affected: yes.
Comment: Criteria applied: PM2,PM1_SUP,PP2,PP3,PP4

GeneDx
Classification: Uncertain significance. Last evaluated: 2015-07-01. Review status: criteria provided, single submitter. Criteria: GeneDx Variant Classification (06012015). Collection method: clinical testing. Allele origin: germline. Affected: yes.
Comment: The H396Q variant has not been published as a pathogenic variant, nor has it been reported as a benign polymorphism to our knowledge. It was not observed in approximately 6,400 individuals of European and African American ancestry in the NHLBI Exome Sequencing Project, indicating it is not a common benign variant in these populations. The H396Q variant is a semi-conservative amino acid substitution, which may impact secondary protein structure as these residues differ in some properties. This substitution occurs at a position that is conserved across species, and in silico analysis predicts this variant is probably damaging to the protein structure/function. However, missense variants in nearby residues have not been reported in the Human Gene Mutation Database in association with TUBB2B-related disorders (Stenson et al., 2014). Therefore, based on the currently available information, it is unclear whether this variant is a pathogenic or a rare benign variant.

NM_178012.5(TUBB2B):c.1188C>G (p.His396Gln)

Gene: TUBB2B (tubulin beta 2B class IIb; minus strand). Cytogenetic location: 6p25.2.
Variant type: single nucleotide variant.
Coding change: c.1188C>G on transcript NM_178012.5 (MANE Select); coding-DNA position 1188, C replaced by G.
Protein change: p.His396Gln; replaces histidine 396 with glutamine.
Molecular consequence: missense variant.
Genome position (GRCh38, 1-based): chr6:3,224,901, G>C on the plus strand (C>G on the coding strand, the complement: TUBB2B is on the minus strand). VCF-style: chr6-3224901-G-C. GRCh37 (hg19) VCF-style: chr6-3225135-G-C.
Other names: short protein forms H396Q.
Identifiers: ClinVar variation 431871 (VCV000431871.5), dbSNP rs1554126865, ClinGen allele CA362584966.